The following is an entry in ClinVar:

NM_000760.4(CSF3R):c.284C>T (p.Thr95Ile)

Gene: CSF3R (colony stimulating factor 3 receptor; minus strand). Cytogenetic location: 1p34.3.
Variant type: single nucleotide variant.
Coding change: c.284C>T on transcript NM_000760.4 (MANE Select); coding-DNA position 284, C replaced by T.
Protein change: p.Thr95Ile; replaces threonine 95 with isoleucine.
Molecular consequence: missense variant.
Genome position (GRCh38, 1-based): chr1:36,475,454, G>A on the plus strand (C>T on the coding strand, the complement: CSF3R is on the minus strand). VCF-style: chr1-36475454-G-A. GRCh37 (hg19) VCF-style: chr1-36941055-G-A.
Other names: c.284C>T, p.Thr95Ile (NM_156039.3, NM_172313.3); short protein forms T95I.
Identifiers: ClinVar variation 4751635 (VCV004751635.1).

ClinVar aggregate classification (germline): Uncertain significance (1 of 4 stars; one submission).

Conditions:
Autosomal recessive severe congenital neutropenia due to CSF3R deficiency. Also called: Neutropenia, severe congenital, 7, autosomal recessive. Identifiers: Orphanet 420702, MedGen C4310764, MONDO:0014865, OMIM 617014.

Submission:

Labcorp Genetics (formerly Invitae), Labcorp
Classification: Uncertain significance for Autosomal recessive severe congenital neutropenia due to CSF3R deficiency. Last evaluated: 2025-10-18. Review status: criteria provided, single submitter. Criteria: Invitae Variant Classification Sherloc (09022015). Collection method: clinical testing. Allele origin: germline.
Comment: This sequence change replaces threonine, which is neutral and polar, with isoleucine, which is neutral and non-polar, at codon 95 of the CSF3R protein (p.Thr95Ile). This variant is not present in population databases (gnomAD no frequency). This variant has not been reported in the literature in individuals affected with CSF3R-related conditions. Invitae Evidence Modeling of protein sequence and biophysical properties (such as structural, functional, and spatial information, amino acid conservation, physicochemical variation, residue mobility, and thermodynamic stability) indicates that this missense variant is not expected to disrupt CSF3R protein function with a negative predictive value of 80%. In summary, the available evidence is currently insufficient to determine the role of this variant in disease. Therefore, it has been classified as a Variant of Uncertain Significance.